The following is an entry in ClinVar:

ClinVar aggregate classification (germline): Uncertain significance (1 of 4 stars; one submission).

gnomAD v4.1: 8 of 1,614,176 alleles (0.0005%); highest among the groups gnomAD compares: Non-Finnish European, 0.00068%; no homozygotes.

Submission:

Women's Health and Genetics/Laboratory Corporation of America, LabCorp
Classification: Uncertain significance. Last evaluated: 2025-05-13. Review status: criteria provided, single submitter. Criteria: LabCorp Variant Classification Summary - May 2015. Collection method: clinical testing. Allele origin: germline.
Comment: Variant summary: HIVEP2 c.4884C>G (p.Asp1628Glu) results in a conservative amino acid change in the encoded protein sequence. Algorithms developed to predict the effect of missense changes on protein structure and function all suggest that this variant is likely to be tolerated. The variant allele was found at a frequency of 5e-06 in 1607202 control chromosomes (gnomAD v4.1). The occurrence in several heterozygous controls (carriers) suggests that this variant is likely not associated with a high penetrance, severe, early onset disease phenotype in heterozygous state. To our knowledge, no occurrence of c.4884C>G in individuals affected with Intellectual Disability, Autosomal Dominant 43 and no experimental evidence demonstrating its impact on protein function have been reported. No submitters have cited clinical-significance assessments for this variant to ClinVar. Based on the evidence outlined above, the variant was classified as VUS-possibly benign.

NM_006734.4(HIVEP2):c.4884C>G (p.Asp1628Glu)

Gene: HIVEP2 (HIVEP zinc finger 2; minus strand). Cytogenetic location: 6q24.2.
Variant type: single nucleotide variant.
Coding change: c.4884C>G on transcript NM_006734.4 (MANE Select); coding-DNA position 4884, C replaced by G.
Protein change: p.Asp1628Glu; replaces aspartic acid 1628 with glutamic acid.
Molecular consequence: missense variant.
Genome position (GRCh38, 1-based): chr6:142,769,855, G>C on the plus strand (C>G on the coding strand, the complement: HIVEP2 is on the minus strand). VCF-style: chr6-142769855-G-C. GRCh37 (hg19) VCF-style: chr6-143090992-G-C.
Other names: short protein forms D1628E.
Identifiers: ClinVar variation 3902237 (VCV003902237.1).
Genomic context (GRCh38, chr6:142,769,855, plus strand): 5'-ACTCACAGTAGTTGTTGTCCGCAGACTGGGGAACTGAAGAATCTGCTGGAAATCTGCCAT[G>C]TCCGTGAGAAGAAGAGTTGAGTCTGCCACGTTCCCGCTGGGGGCAGAGGCCATGCGGACC-3'
Protein context (NP_006725.3, residues 1618-1638): NVADSTLLLT[Asp1628Glu]MADFQQILQF